The following is an entry in ClinVar:

NM_002880.4(RAF1):c.874G>A (p.Ala292Thr)

Gene: RAF1 (Raf-1 proto-oncogene, serine/threonine kinase; minus strand). Cytogenetic location: 3p25.2.
Variant type: single nucleotide variant.
Coding change: c.874G>A on transcript NM_002880.4 (MANE Select); coding-DNA position 874, G replaced by A.
Protein change: p.Ala292Thr; replaces alanine 292 with threonine.
Molecular consequence: missense variant. On other transcripts: non-coding transcript variant (3).
Genome position (GRCh38, 1-based): chr3:12,600,268, C>T on the plus strand (G>A on the coding strand, the complement: RAF1 is on the minus strand). VCF-style: chr3-12600268-C-T. GRCh37 (hg19) VCF-style: chr3-12641767-C-T.
Other names: c.934G>A, p.Ala312Thr (NM_001354689.3); c.874G>A, p.Ala292Thr (NM_001354690.3); c.631G>A, p.Ala211Thr (NM_001354691.3, NM_001354692.3); c.775G>A, p.Ala259Thr (NM_001354693.3); c.691G>A, p.Ala231Thr (NM_001354694.3); c.532G>A, p.Ala178Thr (NM_001354695.3); short protein forms A178T, A292T, A312T, A211T, A231T, A259T.
Identifiers: ClinVar variation 2724749 (VCV002724749.3), dbSNP rs2125380884, ClinGen allele CA351509602.

ClinVar aggregate classification (germline): Uncertain significance (1 of 4 stars; one submission).

Conditions:
RASopathy. Also called: Noonan spectrum disorder; rasopathies. Identifiers: Orphanet 536391, MedGen C5555857, MONDO:0021060.

Submission:

Labcorp Genetics (formerly Invitae), Labcorp
Classification: Uncertain significance for RASopathy. Last evaluated: 2023-03-03. Review status: criteria provided, single submitter. Criteria: Invitae Variant Classification Sherloc (09022015). Collection method: clinical testing. Allele origin: germline.
Comment: This sequence change replaces alanine, which is neutral and non-polar, with threonine, which is neutral and polar, at codon 292 of the RAF1 protein (p.Ala292Thr). This variant is not present in population databases (gnomAD no frequency). This variant has not been reported in the literature in individuals affected with RAF1-related conditions. Advanced modeling of protein sequence and biophysical properties (such as structural, functional, and spatial information, amino acid conservation, physicochemical variation, residue mobility, and thermodynamic stability) performed at Invitae indicates that this missense variant is not expected to disrupt RAF1 protein function. Algorithms developed to predict the effect of sequence changes on RNA splicing suggest that this variant may create or strengthen a splice site. In summary, the available evidence is currently insufficient to determine the role of this variant in disease. Therefore, it has been classified as a Variant of Uncertain Significance.